The following is an entry in ClinVar:

NM_017934.7(PHIP):c.1426C>T (p.Pro476Ser)

Gene: PHIP (pleckstrin homology domain interacting protein; minus strand). Cytogenetic location: 6q14.1.
Variant type: single nucleotide variant.
Coding change: c.1426C>T on transcript NM_017934.7 (MANE Select); coding-DNA position 1426, C replaced by T.
Protein change: p.Pro476Ser; replaces proline 476 with serine.
Molecular consequence: missense variant.
Genome position (GRCh38, 1-based): chr6:79,015,180, G>A on the plus strand (C>T on the coding strand, the complement: PHIP is on the minus strand). VCF-style: chr6-79015180-G-A. GRCh37 (hg19) VCF-style: chr6-79724897-G-A.
Other names: short protein forms P476S.
Identifiers: ClinVar variation 3765896 (VCV003765896.1).
Genomic context (GRCh38, chr6:79,015,180, plus strand): 5'-GATCCCACACTATCACGTTTCCATCATGACCAGCAGAAAAGAGAACTCTAGGATCGAACG[G>A]GTGTGGTTCAAGAACAAATACCTCATCTTCATGACCCTGAAATATTTTTGAAGTGTCAAA-3'
Protein context (NP_060404.4, residues 466-486): EDEVFVLEPH[Pro476Ser]FDPRVLFSAG

ClinVar aggregate classification (germline): Uncertain significance (1 of 4 stars; one submission).

Submission:

GeneDx
Classification: Uncertain significance. Last evaluated: 2024-08-27. Review status: criteria provided, single submitter. Criteria: GeneDx Variant Classification Process June 2021. Collection method: clinical testing. Allele origin: germline. Affected: yes.
Comment: Not observed at significant frequency in large population cohorts (gnomAD); In silico analysis supports that this missense variant has a deleterious effect on protein structure/function; Has not been previously published as pathogenic or benign to our knowledge